The following is an entry in ClinVar:

ClinVar aggregate classification (germline): Uncertain significance. Review status: criteria provided, multiple submitters, no conflicts (2 of 4 stars). 3 submissions from 3 submitters: Uncertain significance (3). Last evaluated 2024-02-05.

Conditions:
Inborn genetic diseases. Identifiers: MedGen C0950123, MeSH D030342.

Allele frequency attached by ClinVar (database versions not stated): gnomAD exomes below 0.00001; gnomAD 0.00004; TOPMed 0.00005.
gnomAD v4.1: 9 of 1,614,018 alleles (0.00056%); highest among the groups gnomAD compares: African/African-American, 0.012%; no homozygotes.

Submissions (3):

Labcorp Genetics (formerly Invitae), Labcorp
Classification: Uncertain significance. Last evaluated: 2024-02-05. Review status: criteria provided, single submitter. Criteria: Invitae Variant Classification Sherloc (09022015). Collection method: clinical testing. Allele origin: germline.
Comment: This sequence change replaces lysine, which is basic and polar, with arginine, which is basic and polar, at codon 684 of the CDH3 protein (p.Lys684Arg). This variant is present in population databases (no rsID available, gnomAD 0.01%). This variant has not been reported in the literature in individuals affected with CDH3-related conditions. ClinVar contains an entry for this variant (Variation ID: 1952648). Advanced modeling of protein sequence and biophysical properties (such as structural, functional, and spatial information, amino acid conservation, physicochemical variation, residue mobility, and thermodynamic stability) performed at Invitae indicates that this missense variant is not expected to disrupt CDH3 protein function with a negative predictive value of 80%. In summary, the available evidence is currently insufficient to determine the role of this variant in disease. Therefore, it has been classified as a Variant of Uncertain Significance.

Ambry Genetics
Classification: Uncertain significance for Inborn genetic diseases. Last evaluated: 2022-04-25. Review status: criteria provided, single submitter. Criteria: Ambry Variant Classification Scheme 2023. Collection method: clinical testing. Allele origin: germline.

Blueprint Genetics
Classification: Uncertain significance. Last evaluated: 2021-12-23. Review status: criteria provided, single submitter. Criteria: ACMG Guidelines, 2015. Collection method: clinical testing. Allele origin: germline.

NM_001793.6(CDH3):c.2051A>G (p.Lys684Arg)

Gene: CDH3 (cadherin 3; plus strand). Cytogenetic location: 16q22.1.
Variant type: single nucleotide variant.
Coding change: c.2051A>G on transcript NM_001793.6 (MANE Select); coding-DNA position 2051, A replaced by G.
Protein change: p.Lys684Arg; replaces lysine 684 with arginine.
Molecular consequence: missense variant.
Genome position (GRCh38, 1-based): chr16:68,695,303, A>G. VCF-style: chr16-68695303-A-G. GRCh37 (hg19) VCF-style: chr16-68729206-A-G.
Other names: c.2051A>G, p.Lys684Arg (NM_001317195.3); c.1886A>G, p.Lys629Arg (NM_001317196.2); short protein forms K684R, K629R.
Identifiers: ClinVar variation 1952648 (VCV001952648.7), dbSNP rs993528184, ClinGen allele CA283288813.